The following is an entry in ClinVar:

NM_024996.7(GFM1):c.72G>C (p.Gln24His)

Gene: GFM1 (G elongation factor mitochondrial 1; plus strand). Cytogenetic location: 3q25.32.
Variant type: single nucleotide variant.
Coding change: c.72G>C on transcript NM_024996.7 (MANE Select); coding-DNA position 72, G replaced by C.
Protein change: p.Gln24His; replaces glutamine 24 with histidine.
Molecular consequence: missense variant. On other transcripts: 5 prime UTR variant (4), non-coding transcript variant (4).
Genome position (GRCh38, 1-based): chr3:158,644,706, G>C. VCF-style: chr3-158644706-G-C. GRCh37 (hg19) VCF-style: chr3-158362495-G-C.
Other names: c.72G>C, p.Gln24His (NM_001308164.2, NM_001308166.2, NM_001374355.1 and 2 more transcripts); c.-320G>C (NM_001374357.1); c.-158G>C (NM_001374359.1, NM_001374360.1, NM_001374361.1); short protein forms Q24H.
Identifiers: ClinVar variation 2446165 (VCV002446165.1), dbSNP rs766862933, ClinGen allele CA2682197.

ClinVar aggregate classification (germline): Uncertain significance (1 of 4 stars; one submission).

Allele frequency attached by ClinVar (database versions not stated): gnomAD exomes below 0.00001; TOPMed below 0.00001; ExAC 0.00003.
gnomAD v4.1: 1 of 1,575,974 alleles (0.000063%); highest among the groups gnomAD compares: African/African-American, 0.0013%; no homozygotes.

Submission:

GeneDx
Classification: Uncertain significance. Last evaluated: 2022-09-26. Review status: criteria provided, single submitter. Criteria: GeneDx Variant Classification Process June 2021. Collection method: clinical testing. Allele origin: germline. Affected: yes.
Comment: In silico analysis supports that this missense variant does not alter protein structure/function; Has not been previously published as pathogenic or benign to our knowledge